The following is an entry in ClinVar:

NM_018089.3(ANKZF1):c.1696T>C (p.Ser566Pro)

Gene: ANKZF1 (ankyrin repeat and zinc finger peptidyl tRNA hydrolase 1; plus strand). Cytogenetic location: 2q35.
Variant type: single nucleotide variant.
Coding change: c.1696T>C on transcript NM_018089.3 (MANE Select); coding-DNA position 1696, T replaced by C.
Protein change: p.Ser566Pro; replaces serine 566 with proline.
Molecular consequence: missense variant.
Genome position (GRCh38, 1-based): chr2:219,235,478, T>C. VCF-style: chr2-219235478-T-C. GRCh37 (hg19) VCF-style: chr2-220100200-T-C.
Other names: c.1696T>C, p.Ser566Pro (NM_001042410.2); c.1066T>C, p.Ser356Pro (NM_001282792.2); short protein forms S566P, S356P.
Identifiers: ClinVar variation 2756992 (VCV002756992.3), dbSNP rs2544931090, ClinGen allele CA350683636.
Genomic context (GRCh38, chr2:219,235,478, plus strand): 5'-GATGTTGGGAAAGGCAGGAGGCAAGTTAAACCCATTTTTGGAGTTTTTGCACCTAGGGAC[T>C]CTCGGGCCCGGCCACCTTATACTGTTGCGGCTGACAAATCAACACGTAATGAGTTCCGAA-3'
Protein context (NP_060559.2, residues 556-576): EAGADPTVQD[Ser566Pro]RARPPYTVAA

ClinVar aggregate classification (germline): Uncertain significance (1 of 4 stars; one submission).

Allele frequency attached by ClinVar (database versions not stated): gnomAD exomes below 0.00001.
gnomAD v4.1: 3 of 1,613,870 alleles (0.00019%); highest among the groups gnomAD compares: Non-Finnish European, 0.00025%; no homozygotes.

Submission:

Labcorp Genetics (formerly Invitae), Labcorp
Classification: Uncertain significance. Last evaluated: 2024-01-08. Review status: criteria provided, single submitter. Criteria: Invitae Variant Classification Sherloc (09022015). Collection method: clinical testing. Allele origin: germline.
Comment: This sequence change replaces serine, which is neutral and polar, with proline, which is neutral and non-polar, at codon 566 of the ANKZF1 protein (p.Ser566Pro). This variant is not present in population databases (gnomAD no frequency). This variant has not been reported in the literature in individuals affected with ANKZF1-related conditions. An algorithm developed to predict the effect of missense changes on protein structure and function (PolyPhen-2) suggests that this variant is likely to be disruptive. In summary, the available evidence is currently insufficient to determine the role of this variant in disease. Therefore, it has been classified as a Variant of Uncertain Significance.